The following is an entry in ClinVar:

ClinVar aggregate classification (germline): Likely benign (1 of 4 stars; one submission).

Submission:

CeGaT Center for Human Genetics Tuebingen
Classification: Likely benign. Last evaluated: 2023-03-01. Review status: criteria provided, single submitter. Criteria: CeGaT Center For Human Genetics Tuebingen Variant Classification Criteria Version 2. Collection method: clinical testing. Allele origin: germline. Affected: yes. Observed: 1 variant allele.
Comment: AHNAK2: BP4, BP7

NM_138420.4(AHNAK2):c.10381C>T (p.Leu3461=)

Gene: AHNAK2 (AHNAK nucleoprotein 2; minus strand). Cytogenetic location: 14q32.33.
Variant type: single nucleotide variant.
Coding change: c.10381C>T on transcript NM_138420.4 (MANE Select); coding-DNA position 10381, C replaced by T.
Protein change: p.Leu3461=; no amino-acid change (leucine 3461 retained).
Molecular consequence: synonymous variant.
Genome position (GRCh38, 1-based): chr14:104,945,070, G>A on the plus strand (C>T on the coding strand, the complement: AHNAK2 is on the minus strand). VCF-style: chr14-104945070-G-A. GRCh37 (hg19) VCF-style: chr14-105411407-G-A.
Other names: c.10081C>T, p.Leu3361= (NM_001350929.2).
Identifiers: ClinVar variation 2644672 (VCV002644672.24), dbSNP rs201191749, ClinGen allele CA7379171.